The following is an entry in ClinVar:

ClinVar aggregate classification (germline): Conflicting classifications of pathogenicity. Review status: criteria provided, conflicting classifications (1 of 4 stars). 2 submissions from 2 submitters: Uncertain significance (1); Benign (1). Last evaluated 2026-07-07.

Conditions:
Hereditary cancer-predisposing syndrome. Also called: Hereditary Cancer Syndrome; Tumor predisposition; Neoplastic Syndromes, Hereditary; Hereditary neoplastic syndrome. Identifiers: Orphanet 140162, MedGen C0027672, MeSH D009386, MONDO:0015356.
Tuberous sclerosis 2 (TSC2). Identifiers: Orphanet 805, MedGen C1860707, MONDO:0013199, OMIM 613254.

Allele frequency attached by ClinVar (database versions not stated): gnomAD exomes below 0.00001.
gnomAD v4.1: 1 of 1,611,642 alleles (0.000062%); highest among the groups gnomAD compares: East Asian, 0.0022%; no homozygotes.

Submissions (2):

Ambry Genetics
Classification: Uncertain significance for Hereditary cancer-predisposing syndrome. Last evaluated: 2026-07-07. Review status: criteria provided, single submitter. Criteria: Ambry Variant Classification Scheme 2023. Collection method: clinical testing. Allele origin: germline.
Comment: The p.Y1678H variant (also known as c.5032T>C), located in coding exon 38 of the TSC2 gene, results from a T to C substitution at nucleotide position 5032. The tyrosine at codon 1678 is replaced by histidine, an amino acid with similar properties. This amino acid position is conserved. In addition, this alteration is predicted to be deleterious by in silico analysis. Based on the available evidence, the clinical significance of this variant remains unclear.

Labcorp Genetics (formerly Invitae), Labcorp
Classification: Benign for Tuberous sclerosis 2. Last evaluated: 2024-06-10. Review status: criteria provided, single submitter. Criteria: Invitae Variant Classification Sherloc (09022015). Collection method: clinical testing. Allele origin: germline.

NM_000548.5(TSC2):c.5032T>C (p.Tyr1678His)

Gene: TSC2 (TSC complex subunit 2; plus strand). Cytogenetic location: 16p13.3.
Variant type: single nucleotide variant.
Coding change: c.5032T>C on transcript NM_000548.5 (MANE Select); coding-DNA position 5032, T replaced by C.
Protein change: p.Tyr1678His; replaces tyrosine 1678 with histidine.
Molecular consequence: missense variant.
Genome position (GRCh38, 1-based): chr16:2,087,905, T>C. VCF-style: chr16-2087905-T-C. GRCh37 (hg19) VCF-style: chr16-2137906-T-C.
Other names: c.4903T>C, p.Tyr1635His (NM_001370405.1, NM_021055.3); c.4831T>C, p.Tyr1611His (NM_001077183.3); c.4963T>C, p.Tyr1655His (NM_001114382.3); c.4723T>C, p.Tyr1575His (NM_001318827.2); c.4687T>C, p.Tyr1563His (NM_001318829.2); c.4300T>C, p.Tyr1434His (NM_001318831.2); c.4864T>C, p.Tyr1622His (NM_001318832.2); c.4834T>C, p.Tyr1612His (NM_001363528.2); and 2 more; short protein forms Y1434H, Y1612H, Y1563H, Y1622H, Y1634H, Y1635H, Y1678H, Y1655H.
Identifiers: ClinVar variation 1481853 (VCV001481853.9), dbSNP rs1463448328, ClinGen allele CA394311332.